The following is an entry in ClinVar:

NM_000463.3(UGT1A1):c.72G>A (p.Val24=)

Genes: UGT1A6 (UDP glucuronosyltransferase family 1 member A6; plus strand), UGT1A1 (UDP glucuronosyltransferase family 1 member A1; plus strand), UGT1A (UDP glucuronosyltransferase family 1 member A complex locus; plus strand), UGT1A10 (UDP glucuronosyltransferase family 1 member A10; plus strand), UGT1A8 (UDP glucuronosyltransferase family 1 member A8; plus strand) and 5 more. Cytogenetic location: 2q37.1.
Variant type: single nucleotide variant.
Coding change: c.72G>A on transcript NM_000463.3 (MANE Select); coding-DNA position 72, G replaced by A.
Protein change: p.Val24=; no amino-acid change (valine 24 retained).
Molecular consequence: synonymous variant. On other transcripts: intron variant (9).
Genome position (GRCh38, 1-based): chr2:233,760,359, G>A. VCF-style: chr2-233760359-G-A. GRCh37 (hg19) VCF-style: chr2-234669005-G-A.
Other names: c.856-6675G>A (NM_019076.5, NM_019075.4, NM_021027.3 and 1 more transcripts); c.61-6675G>A (NM_205862.3); c.862-6675G>A (NM_001072.4); c.868-6675G>A (NM_019078.2, NM_007120.3, NM_019093.4).
Identifiers: ClinVar variation 437206 (VCV000437206.8), dbSNP rs764918207, ClinGen allele CA2179769.

ClinVar aggregate classification (germline): Likely benign. Review status: criteria provided, multiple submitters, no conflicts (2 of 4 stars). 3 submissions from 3 submitters: Likely benign (2). 1 of the submissions does not count toward it. Last evaluated 2022-01-17.

Conditions:
Crigler-Najjar syndrome, type II. Also called: Crigler Najjar syndrome, type 2; Mutation in the UDP-glucuronosyl-transferase gene; HYPERBILIRUBINEMIA, CRIGLER-NAJJAR TYPE II. Identifiers: Orphanet 205, Orphanet 79235, MedGen C2931132, MONDO:0011725, OMIM 606785.
Gilbert syndrome. Also called: HYPERBILIRUBINEMIA, GILBERT TYPE; Gilbert Disease; Gilbert's syndrome; HYPERBILIRUBINEMIA I; HYPERBILIRUBINEMIA, ARIAS TYPE. Identifiers: MedGen C0017551, MONDO:0007745, OMIM 143500.
BILIRUBIN, SERUM LEVEL OF, QUANTITATIVE TRAIT LOCUS 1 (BILIQTL1). Identifiers: MedGen C1866173, OMIM 601816.
Lucey-Driscoll syndrome (HBLRTFN). Also called: Transient familial neonatal hyperbilirubinemia. Identifiers: Orphanet 2312, MedGen C0270210, MONDO:0009383, OMIM 237900.
Crigler-Najjar syndrome type 1. Also called: HYPERBILIRUBINEMIA, CRIGLER-NAJJAR TYPE I. Identifiers: Orphanet 79234, MedGen C0010324, MONDO:0021020, OMIM 218800.
UGT1A1-related disorder. Also called: UGT1A1-related disorders; UGT1A1-related condition.

Allele frequency attached by ClinVar (database versions not stated): gnomAD 0.00002 and 0.00003; TOPMed 0.00003; gnomAD exomes 0.00004 and 0.00008; ExAC 0.00006.
gnomAD v4.1: 62 of 1,614,004 alleles (0.0038%); highest among the groups gnomAD compares: South Asian, 0.04%; no homozygotes.

Submissions (3):

Fulgent Genetics
Classification: Likely benign for Gilbert syndrome; Crigler-Najjar syndrome type 1; Lucey-Driscoll syndrome; BILIRUBIN, SERUM LEVEL OF, QUANTITATIVE TRAIT LOCUS 1; Crigler-Najjar syndrome, type II. Last evaluated: 2022-01-17. Review status: criteria provided, single submitter. Criteria: ACMG Guidelines, 2015. Collection method: clinical testing. Allele origin: unknown.

Genetic Services Laboratory, University of Chicago
Classification: Likely benign. Last evaluated: 2016-06-24. Review status: criteria provided, single submitter. Criteria: ACMG Guidelines, 2015. Collection method: clinical testing. Allele origin: germline. Affected: no.

PreventionGenetics, part of Exact Sciences
Classification: Likely benign for UGT1A1-related condition. Last evaluated: 2024-04-18. Review status: no assertion criteria provided. Collection method: clinical testing. Allele origin: germline. Not counted in ClinVar's aggregate classification.
Comment: This variant is classified as likely benign based on ACMG/AMP sequence variant interpretation guidelines (Richards et al. 2015 PMID: 25741868, with internal and published modifications).